The following is an entry in ClinVar:

ClinVar aggregate classification (germline): Uncertain significance (1 of 4 stars; one submission).

Allele frequency attached by ClinVar (database versions not stated): gnomAD exomes below 0.00001; ExAC 0.00001.
gnomAD v4.1: 5 of 1,600,402 alleles (0.00031%); highest among the groups gnomAD compares: East Asian, 0.0022%; no homozygotes.

Submission:

Labcorp Genetics (formerly Invitae), Labcorp
Classification: Uncertain significance. Last evaluated: 2023-04-12. Review status: criteria provided, single submitter. Criteria: Invitae Variant Classification Sherloc (09022015). Collection method: clinical testing. Allele origin: germline.
Comment: This sequence change replaces isoleucine, which is neutral and non-polar, with valine, which is neutral and non-polar, at codon 156 of the CD46 protein (p.Ile156Val). In summary, the available evidence is currently insufficient to determine the role of this variant in disease. Therefore, it has been classified as a Variant of Uncertain Significance. Algorithms developed to predict the effect of sequence changes on RNA splicing suggest that this variant may disrupt the consensus splice site. Advanced modeling of protein sequence and biophysical properties (such as structural, functional, and spatial information, amino acid conservation, physicochemical variation, residue mobility, and thermodynamic stability) performed at Invitae indicates that this missense variant is not expected to disrupt CD46 protein function. This variant has not been reported in the literature in individuals affected with CD46-related conditions. The frequency data for this variant in the population databases is considered unreliable, as metrics indicate poor data quality at this position in the gnomAD database.

NM_172351.3(CD46):c.466A>G (p.Ile156Val)

Gene: CD46 (CD46 molecule; plus strand). Cytogenetic location: 1q32.2.
Variant type: single nucleotide variant.
Coding change: c.466A>G on transcript NM_172351.3 (MANE Select); coding-DNA position 466, A replaced by G.
Protein change: p.Ile156Val; replaces isoleucine 156 with valine.
Molecular consequence: missense variant.
Genome position (GRCh38, 1-based): chr1:207,759,715, A>G. VCF-style: chr1-207759715-A-G. GRCh37 (hg19) VCF-style: chr1-207933060-A-G.
Other names: c.466A>G, p.Ile156Val (NM_002389.4, NM_153826.4, NM_172350.3 and 8 more transcripts); short protein forms I156V.
Identifiers: ClinVar variation 2876121 (VCV002876121.3), dbSNP rs773571315, ClinGen allele CA1371634.
Genomic context (GRCh38, chr1:207,759,715, plus strand): 5'-GAAGAAATTCTATATTGTGAACTTAAAGGATCAGTAGCAATTTGGAGCGGTAAGCCCCCA[A>G]TATGTGAAAGTAAGTAAATTCTTTTTTTTTAAATTTAGACCAGTAGTCCTCAAAGATTTT-3'
Protein context (NP_758861.1, residues 146-166): SVAIWSGKPP[Ile156Val]CEKVLCTPPP